The following is an entry in ClinVar:

NM_024596.5(MCPH1):c.671-3C>T

Gene: MCPH1 (microcephalin 1; plus strand). Cytogenetic location: 8p23.1.
Variant type: single nucleotide variant.
Coding change: c.671-3C>T on transcript NM_024596.5 (MANE Select); 3 bases into the intron before coding-DNA position 671, C replaced by T.
Molecular consequence: intron variant.
Genome position (GRCh38, 1-based): chr8:6,444,390, C>T. VCF-style: chr8-6444390-C-T. GRCh37 (hg19) VCF-style: chr8-6301911-C-T.
Other names: c.671-3C>T (NM_001322042.1, NM_001322042.2, NM_001363980.2 and 2 more transcripts); c.527-3C>T (NM_001172575.2); c.665-3C>T (NM_001322043.2); c.569-3C>T (NM_001322045.2).
Identifiers: ClinVar variation 499116 (VCV000499116.9), dbSNP rs374793979, ClinGen allele CA4610356.

ClinVar aggregate classification (germline): Uncertain significance. Review status: criteria provided, multiple submitters, no conflicts (2 of 4 stars). 3 submissions from 3 submitters: Uncertain significance (2). 1 of the submissions does not count toward it. Last evaluated 2025-08-24.

Conditions:
MCPH1-related disorder. Also called: MCPH1-related condition.

Allele frequency attached by ClinVar (database versions not stated): ExAC 0.00001; gnomAD 0.00002 and 0.00003; ESP Exome Variant Server 0.00008; gnomAD exomes 0.00002 and 0.00001; TOPMed 0.00003.
gnomAD v4.1: 38 of 1,613,874 alleles (0.0024%); highest among the groups gnomAD compares: Non-Finnish European, 0.0028%; no homozygotes.

Submissions (3):

Dasa
Classification: Uncertain significance. Last evaluated: 2025-08-24. Review status: criteria provided, single submitter. Criteria: DASA Assertion Criteria. Collection method: clinical testing. Allele origin: germline.
Comment: NM_024596.5(MCPH1):c.671-3C>T is a splice-region variant. This variant is rare in population databases. Computational prediction algorithms are consistent with a benign effect. The currently available literature and clinical evidence are not sufficient to establish a definitive association between this variant and the reported condition. Therefore, this variant is classified as a variant of uncertain significance.

Eurofins Ntd Llc (ga)
Classification: Uncertain significance. Last evaluated: 2017-01-12. Review status: criteria provided, single submitter. Criteria: EGL Classification Definitions 2015. Collection method: clinical testing. Allele origin: germline. Observed: 1 variant allele, 1 heterozygote.

PreventionGenetics, part of Exact Sciences
Classification: Likely benign for MCPH1-related condition. Last evaluated: 2023-04-19. Review status: no assertion criteria provided. Collection method: clinical testing. Allele origin: germline. Not counted in ClinVar's aggregate classification.
Comment: This variant is classified as likely benign based on ACMG/AMP sequence variant interpretation guidelines (Richards et al. 2015 PMID: 25741868, with internal and published modifications).